The following is an entry in ClinVar:

ClinVar aggregate classification (germline): Uncertain significance. Review status: criteria provided, single submitter (1 of 4 stars). 2 submissions from 2 submitters: Uncertain significance (1). 1 of the submissions does not count toward it. Last evaluated 2013-07-17.

Conditions:
Autosomal recessive nonsyndromic hearing loss 77. Identifiers: Orphanet 90636, MedGen C2746083, MONDO:0013119, OMIM 613079.

Allele frequency attached by ClinVar (database versions not stated): gnomAD exomes below 0.00001; TOPMed 0.00002; gnomAD 0.00006.
gnomAD v4.1: 11 of 1,551,506 alleles (0.00071%); highest among the groups gnomAD compares: African/African-American, 0.014%; no homozygotes.

Submissions (2):

Laboratory for Molecular Medicine, Mass General Brigham Personalized Medicine
Classification: Uncertain significance. Last evaluated: 2013-07-17. Review status: criteria provided, single submitter. Criteria: LMM Criteria. Collection method: clinical testing. Allele origin: germline. Observed: 1 variant allele.
Comment: The Gly1154Asp variant in LOXHD1 has not been reported in individuals with heari ng loss or in large population studies. Computational analyses (biochemical ami no acid properties, conservation, AlignGVGD, PolyPhen2, and SIFT) do not provide strong support for or against an impact to the protein. In summary, additional data is needed to determine the clinical significance of this variant.

Natera, Inc.
Classification: Uncertain significance for Autosomal recessive deafness type 77. Last evaluated: 2020-09-16. Review status: no assertion criteria provided. Collection method: clinical testing. Allele origin: germline. Not counted in ClinVar's aggregate classification.

NM_001384474.1(LOXHD1):c.3461G>A (p.Gly1154Asp)

Gene: LOXHD1 (lipoxygenase homology PLAT domains 1; minus strand). Cytogenetic location: 18q21.1.
Variant type: single nucleotide variant.
Coding change: c.3461G>A on transcript NM_001384474.1 (MANE Select); coding-DNA position 3461, G replaced by A.
Protein change: p.Gly1154Asp; replaces glycine 1154 with aspartic acid.
Molecular consequence: missense variant. On other transcripts: 5 prime UTR variant (1).
Genome position (GRCh38, 1-based): chr18:46,546,948, C>T on the plus strand (G>A on the coding strand, the complement: LOXHD1 is on the minus strand). VCF-style: chr18-46546948-C-T. GRCh37 (hg19) VCF-style: chr18-44126911-C-T.
Other names: c.128G>A, p.Gly43Asp (NM_001145472.3); c.-161G>A (NM_001308013.2); c.3461G>A, p.Gly1154Asp (NM_144612.7); short protein forms G1154D, G43D.
Identifiers: ClinVar variation 163915 (VCV000163915.5), dbSNP rs727503142, ClinGen allele CA176634.